The following is an entry in ClinVar:

ClinVar aggregate classification (germline): Uncertain significance (1 of 4 stars; one submission).

Conditions:
Polyglucosan body myopathy type 1 (PGBM1). Also called: POLYGLUCOSAN BODY MYOPATHY WITHOUT IMMUNODEFICIENCY; Polyglucosan body myopathy 1 with or without immunodeficiency. Identifiers: Orphanet 329173, Orphanet 397937, MedGen C4014605, MONDO:0014389, OMIM 615895.

Allele frequency attached by ClinVar (database versions not stated): gnomAD exomes below 0.00001; TOPMed below 0.00001.

Submission:

Labcorp Genetics (formerly Invitae), Labcorp
Classification: Uncertain significance for Polyglucosan body myopathy type 1. Last evaluated: 2022-04-03. Review status: criteria provided, single submitter. Criteria: Invitae Variant Classification Sherloc (09022015). Collection method: clinical testing. Allele origin: germline.
Comment: In summary, the available evidence is currently insufficient to determine the role of this variant in disease. Therefore, it has been classified as a Variant of Uncertain Significance. Algorithms developed to predict the effect of missense changes on protein structure and function are either unavailable or do not agree on the potential impact of this missense change (SIFT: "Not Available"; PolyPhen-2: "Benign"; Align-GVGD: "Not Available"). This variant has not been reported in the literature in individuals affected with RBCK1-related conditions. This variant is not present in population databases (gnomAD no frequency). This sequence change replaces lysine, which is basic and polar, with glutamic acid, which is acidic and polar, at codon 254 of the RBCK1 protein (p.Lys254Glu).

NM_031229.4(RBCK1):c.760A>G (p.Lys254Glu)

Gene: RBCK1 (RANBP2-type and C3HC4-type zinc finger containing 1; plus strand). Cytogenetic location: 20p13.
Variant type: single nucleotide variant.
Coding change: c.760A>G on transcript NM_031229.4 (MANE Select); coding-DNA position 760, A replaced by G.
Protein change: p.Lys254Glu; replaces lysine 254 with glutamic acid.
Molecular consequence: missense variant. On other transcripts: non-coding transcript variant (1), intron variant (2).
Genome position (GRCh38, 1-based): chr20:420,874, A>G. VCF-style: chr20-420874-A-G. GRCh37 (hg19) VCF-style: chr20-401518-A-G.
Other names: c.634A>G, p.Lys212Glu (NM_006462.6); c.407+1143A>G (NM_001323956.2, NM_001323958.2); short protein forms K254E, K212E.
Identifiers: ClinVar variation 1515196 (VCV001515196.5), dbSNP rs2016380869, ClinGen allele CA407927231.